The following is an entry in ClinVar:

NM_020832.3(ZNF687):c.754G>A (p.Ala252Thr)

Gene: ZNF687 (zinc finger protein 687; plus strand). Cytogenetic location: 1q21.3.
Variant type: single nucleotide variant.
Coding change: c.754G>A on transcript NM_020832.3 (MANE Select); coding-DNA position 754, G replaced by A.
Protein change: p.Ala252Thr; replaces alanine 252 with threonine.
Molecular consequence: missense variant.
Genome position (GRCh38, 1-based): chr1:151,287,045, G>A. VCF-style: chr1-151287045-G-A. GRCh37 (hg19) VCF-style: chr1-151259521-G-A.
Other names: c.754G>A, p.Ala252Thr (NM_001304763.2, NM_001304764.2); short protein forms A252T.
Identifiers: ClinVar variation 1897212 (VCV001897212.5), dbSNP rs1486147685, ClinGen allele CA341931982.

ClinVar aggregate classification (germline): Uncertain significance (1 of 4 stars; one submission).

Allele frequency attached by ClinVar (database versions not stated): gnomAD exomes below 0.00001; gnomAD 0.00001; TOPMed 0.00001.
gnomAD v4.1: 6 of 1,609,378 alleles (0.00037%); highest among the groups gnomAD compares: Non-Finnish European, 0.00017%; no homozygotes.

Submission:

Labcorp Genetics (formerly Invitae), Labcorp
Classification: Uncertain significance. Last evaluated: 2021-12-19. Review status: criteria provided, single submitter. Criteria: Invitae Variant Classification Sherloc (09022015). Collection method: clinical testing. Allele origin: germline.
Comment: This sequence change replaces alanine, which is neutral and non-polar, with threonine, which is neutral and polar, at codon 252 of the ZNF687 protein (p.Ala252Thr). This variant is present in population databases (no rsID available, gnomAD 0.02%). This variant has not been reported in the literature in individuals affected with ZNF687-related conditions. Algorithms developed to predict the effect of missense changes on protein structure and function output the following: SIFT: "Tolerated"; PolyPhen-2: "Benign"; Align-GVGD: "Class C0". The threonine amino acid residue is found in multiple mammalian species, which suggests that this missense change does not adversely affect protein function. In summary, the available evidence is currently insufficient to determine the role of this variant in disease. Therefore, it has been classified as a Variant of Uncertain Significance.